The following is an entry in ClinVar:

ClinVar aggregate classification (germline): Uncertain significance. Review status: criteria provided, multiple submitters, no conflicts (2 of 4 stars). 2 submissions from 2 submitters: Uncertain significance (2). Last evaluated 2025-02-21.

Conditions:
Baller-Gerold syndrome (BGS). Also called: CRANIOSYNOSTOSIS WITH RADIAL DEFECTS. Identifiers: Orphanet 1225, MedGen C0265308, MONDO:0009039, OMIM 218600.
Inborn genetic diseases. Identifiers: MedGen C0950123, MeSH D030342.

Allele frequency attached by ClinVar (database versions not stated): TOPMed below 0.00001.
gnomAD v4.1: 1 of 1,611,908 alleles (0.000062%); highest among the groups gnomAD compares: South Asian, 0.0011%; no homozygotes.

Submissions (2):

Ambry Genetics
Classification: Uncertain significance for Inborn genetic diseases. Last evaluated: 2025-02-21. Review status: criteria provided, single submitter. Criteria: Ambry Variant Classification Scheme 2023. Collection method: clinical testing. Allele origin: germline.
Comment: The p.L596P variant (also known as c.1787T>C), located in coding exon 11 of the RECQL4 gene, results from a T to C substitution at nucleotide position 1787. The leucine at codon 596 is replaced by proline, an amino acid with similar properties. This amino acid position is conserved. In addition, this alteration is predicted to be deleterious by in silico analysis. Based on the available evidence, the clinical significance of this variant remains unclear.

Labcorp Genetics (formerly Invitae), Labcorp
Classification: Uncertain significance for Baller-Gerold syndrome. Last evaluated: 2023-01-26. Review status: criteria provided, single submitter. Criteria: Invitae Variant Classification Sherloc (09022015). Collection method: clinical testing. Allele origin: germline.
Comment: This sequence change replaces leucine, which is neutral and non-polar, with proline, which is neutral and non-polar, at codon 596 of the RECQL4 protein (p.Leu596Pro). In summary, the available evidence is currently insufficient to determine the role of this variant in disease. Therefore, it has been classified as a Variant of Uncertain Significance. Advanced modeling of protein sequence and biophysical properties (such as structural, functional, and spatial information, amino acid conservation, physicochemical variation, residue mobility, and thermodynamic stability) performed at Invitae indicates that this missense variant is expected to disrupt RECQL4 protein function. ClinVar contains an entry for this variant (Variation ID: 967084). This variant has not been reported in the literature in individuals affected with RECQL4-related conditions. This variant is not present in population databases (gnomAD no frequency).

NM_004260.4(RECQL4):c.1787T>C (p.Leu596Pro)

Gene: RECQL4 (RecQ like helicase 4; minus strand). Cytogenetic location: 8q24.3.
Variant type: single nucleotide variant.
Coding change: c.1787T>C on transcript NM_004260.4 (MANE Select); coding-DNA position 1787, T replaced by C.
Protein change: p.Leu596Pro; replaces leucine 596 with proline.
Molecular consequence: missense variant.
Genome position (GRCh38, 1-based): chr8:144,514,280, A>G on the plus strand (T>C on the coding strand, the complement: RECQL4 is on the minus strand). VCF-style: chr8-144514280-A-G. GRCh37 (hg19) VCF-style: chr8-145739664-A-G.
Other names: short protein forms L596P.
Identifiers: ClinVar variation 967084 (VCV000967084.8), dbSNP rs1827827905, ClinGen allele CA372680935.